The following is an entry in ClinVar:

ClinVar aggregate classification (germline): Uncertain significance (1 of 4 stars; one submission).

gnomAD v4.1: 2 of 1,614,200 alleles (0.00012%); highest among the groups gnomAD compares: Non-Finnish European, 0.000085%; no homozygotes.

Submission:

Labcorp Genetics (formerly Invitae), Labcorp
Classification: Uncertain significance. Last evaluated: 2024-09-03. Review status: criteria provided, single submitter. Criteria: Invitae Variant Classification Sherloc (09022015). Collection method: clinical testing. Allele origin: germline.
Comment: This sequence change replaces glutamine, which is neutral and polar, with leucine, which is neutral and non-polar, at codon 428 of the LARS2 protein (p.Gln428Leu). This variant is not present in population databases (gnomAD no frequency). This variant has not been reported in the literature in individuals affected with LARS2-related conditions. Invitae Evidence Modeling of protein sequence and biophysical properties (such as structural, functional, and spatial information, amino acid conservation, physicochemical variation, residue mobility, and thermodynamic stability) indicates that this missense variant is not expected to disrupt LARS2 protein function with a negative predictive value of 80%. In summary, the available evidence is currently insufficient to determine the role of this variant in disease. Therefore, it has been classified as a Variant of Uncertain Significance.

NM_015340.4(LARS2):c.1283A>T (p.Gln428Leu)

Genes: LARS2 (leucyl-tRNA synthetase 2, mitochondrial; plus strand), LARS2-AS1 (LARS2 antisense RNA 1; minus strand). Cytogenetic location: 3p21.31.
Variant type: single nucleotide variant.
Coding change: c.1283A>T on transcript NM_015340.4 (MANE Select); coding-DNA position 1283, A replaced by T.
Protein change: p.Gln428Leu; replaces glutamine 428 with leucine.
Molecular consequence: missense variant.
Genome position (GRCh38, 1-based): chr3:45,491,560, A>T. VCF-style: chr3-45491560-A-T. GRCh37 (hg19) VCF-style: chr3-45533052-A-T.
Other names: c.1283A>T, p.Gln428Leu (NM_001368263.1); short protein forms Q428L.
Identifiers: ClinVar variation 3691905 (VCV003691905.2).